The following is an entry in ClinVar:

NM_001035.3(RYR2):c.2246T>G (p.Leu749Ter)

Gene: RYR2 (ryanodine receptor 2; plus strand). Cytogenetic location: 1q43.
Variant type: single nucleotide variant.
Coding change: c.2246T>G on transcript NM_001035.3 (MANE Select); coding-DNA position 2246, T replaced by G.
Protein change: p.Leu749Ter; replaces leucine 749 with a stop codon.
Molecular consequence: nonsense.
Genome position (GRCh38, 1-based): chr1:237,500,753, T>G. VCF-style: chr1-237500753-T-G. GRCh37 (hg19) VCF-style: chr1-237664053-T-G.
Other names: short protein forms L749*.
Identifiers: ClinVar variation 2856770 (VCV002856770.3), dbSNP rs2545867707, ClinGen allele CA345393083.

ClinVar aggregate classification (germline): Uncertain significance (1 of 4 stars; one submission).

Conditions:
Catecholaminergic polymorphic ventricular tachycardia 1. Also called: RYR2-Related Catecholaminergic Polymorphic Ventricular Tachycardia; VENTRICULAR TACHYCARDIA, STRESS-INDUCED POLYMORPHIC 1; VENTRICULAR TACHYCARDIA, CATECHOLAMINERGIC POLYMORPHIC, 1, WITH OR WITHOUT ATRIAL DYSFUNCTION AND/OR DILATED CARDIOMYOPATHY. Identifiers: Orphanet 3286, MedGen C1631597, MONDO:0011484, OMIM 604772.

Submission:

Labcorp Genetics (formerly Invitae), Labcorp
Classification: Uncertain significance for Catecholaminergic polymorphic ventricular tachycardia 1. Last evaluated: 2025-01-06. Review status: criteria provided, single submitter. Criteria: Invitae Variant Classification Sherloc (09022015). Collection method: clinical testing. Allele origin: germline.
Comment: This sequence change creates a premature translational stop signal (p.Leu749*) in the RYR2 gene. It is expected to result in an absent or disrupted protein product. However, the current clinical and genetic evidence is not sufficient to establish whether loss-of-function variants in RYR2 cause disease. This variant is not present in population databases (gnomAD no frequency). This variant has not been reported in the literature in individuals affected with RYR2-related conditions. ClinVar contains an entry for this variant (Variation ID: 2856770). In summary, the available evidence is currently insufficient to determine the role of this variant in disease. Therefore, it has been classified as a Variant of Uncertain Significance.